The following is an entry in ClinVar:

ClinVar aggregate classification (germline): Pathogenic (1 of 4 stars; one submission).

Conditions:
Joubert syndrome 23 (JBTS23). Identifiers: Orphanet 475, MedGen C4084822, MONDO:0014664, OMIM 616490.
Short-rib thoracic dysplasia 14 with polydactyly (SRTD14). Identifiers: Orphanet 397715, MedGen C4225286, MONDO:0014688, OMIM 616546.

Submission:

Labcorp Genetics (formerly Invitae), Labcorp
Classification: Pathogenic for Joubert syndrome 23; Short-rib thoracic dysplasia 14 with polydactyly. Last evaluated: 2022-09-07. Review status: criteria provided, single submitter. Criteria: Invitae Variant Classification Sherloc (09022015). Collection method: clinical testing. Allele origin: germline.
Comment: For these reasons, this variant has been classified as Pathogenic. Algorithms developed to predict the effect of sequence changes on RNA splicing suggest that this variant may create or strengthen a splice site. This variant is not present in population databases (gnomAD no frequency). This sequence change creates a premature translational stop signal (p.Lys1559*) in the KIAA0586 gene. It is expected to result in an absent or disrupted protein product. Loss-of-function variants in KIAA0586 are known to be pathogenic (PMID: 26096313, 26166481, 26386044). ClinVar contains an entry for this variant (Variation ID: 1457512). This variant has not been reported in the literature in individuals affected with KIAA0586-related conditions.

Literature cited by the submitters: PubMed 26096313; PubMed 26166481; PubMed 26386044.

NM_001329943.3(KIAA0586):c.4495+3767A>T

Gene: KIAA0586 (KIAA0586; plus strand). Cytogenetic location: 14q23.1.
Variant type: single nucleotide variant.
Coding change: c.4495+3767A>T on transcript NM_001329943.3 (MANE Select); 3767 bases into the intron after coding-DNA position 4495, A replaced by T.
Molecular consequence: intron variant. On other transcripts: nonsense (2).
Genome position (GRCh38, 1-based): chr14:58,543,903, A>T. VCF-style: chr14-58543903-A-T. GRCh37 (hg19) VCF-style: chr14-59010621-A-T.
Other names: c.4675A>T, p.Lys1559Ter (NM_001244189.2); c.4516A>T, p.Lys1506Ter (NM_001329944.2); c.4450+3767A>T (NM_001244190.2); c.4363+3767A>T (NM_001244192.2, NM_001329947.2); c.4240+3767A>T (NM_001244191.2, NM_001364701.2); c.4430-3878A>T (NM_001329946.2); c.4267+3767A>T (NM_014749.5); c.4175-3878A>T (NM_001329945.2); short protein forms K1559*, K1506*.
Identifiers: ClinVar variation 1457512 (VCV001457512.7), dbSNP rs2140128191, ClinGen allele CA390059064.